The following is an entry in ClinVar:

NM_000243.3(MEFV):c.1764G>A (p.Pro588=)

Genes: MEFV (MEFV innate immunity regulator, pyrin; minus strand), LOC126862264 (CDK7 strongly-dependent group 2 enhancer GRCh37_chr16:3293322-3294521; plus strand). Cytogenetic location: 16p13.3.
Variant type: single nucleotide variant.
Coding change: c.1764G>A on transcript NM_000243.3 (MANE Select); coding-DNA position 1764, G replaced by A.
Protein change: p.Pro588=; no amino-acid change (proline 588 retained).
Molecular consequence: synonymous variant. On other transcripts: missense variant (1), no sequence alteration (1).
Genome position (GRCh38, 1-based): chr16:3,243,888, C>T on the plus strand (G>A on the coding strand, the complement: MEFV is on the minus strand). VCF-style: chr16-3243888-C-T. GRCh37 (hg19) VCF-style: chr16-3293888-C-T.
Other names: c.1306G>A, p.Gly436Arg (NM_001198536.2); c.1764A=, p.Pro588= (NM_000243.2); short protein forms G436R.
Identifiers: ClinVar variation 36505 (VCV000036505.60), dbSNP rs1231122, ClinGen allele CA280260.

ClinVar aggregate classification (germline): Benign/Likely benign. Review status: criteria provided, multiple submitters, no conflicts (2 of 4 stars). 14 submissions from 13 submitters: Benign (9); Likely benign (1). 4 of the submissions do not count toward it. Last evaluated 2026-02-04.

Conditions:
Familial Mediterranean fever, autosomal dominant. Also called: FMF, AUTOSOMAL DOMINANT; Dominant Familial Mediterranean Fever. Identifiers: Orphanet 342, MedGen C1851347, MONDO:0007601, OMIM 134610.
Familial Mediterranean fever (FMF). Also called: Periodic peritonitis; Benign paroxysmal peritonitis; POLYSEROSITIS, FAMILIAL PAROXYSMAL; POLYSEROSITIS, RECURRENT. Identifiers: Orphanet 342, MedGen C0031069, MONDO:0018088, OMIM 249100. Disease mechanism: gain of function.

Allele frequency attached by ClinVar (database versions not stated): gnomAD 0.41230 and 0.40736; ESP Exome Variant Server 0.42358; TOPMed 0.40033; 1000 Genomes Project 30x 0.35056; 1000 Genomes Project 0.35363.

Submissions (14):

Labcorp Genetics (formerly Invitae), Labcorp
Classification: Benign for Familial Mediterranean fever. Last evaluated: 2026-02-04. Review status: criteria provided, single submitter. Criteria: Invitae Variant Classification Sherloc (09022015). Collection method: clinical testing. Allele origin: germline.

ARUP Laboratories, Molecular Genetics and Genomics, ARUP Laboratories
Classification: Benign. Last evaluated: 2025-07-31. Review status: criteria provided, single submitter. Criteria: ARUP Molecular Germline Variant Investigation Process 2024. Collection method: clinical testing. Allele origin: germline.

Blueprint Genetics
Classification: Likely benign. Last evaluated: 2024-11-27. Review status: criteria provided, single submitter. Criteria: ACMG Guidelines, 2015. Collection method: clinical testing. Allele origin: germline.

CeGaT Center for Human Genetics Tuebingen
Classification: Benign. Last evaluated: 2023-12-01. Review status: criteria provided, single submitter. Criteria: CeGaT Center For Human Genetics Tuebingen Variant Classification Criteria Version 2. Collection method: clinical testing. Allele origin: germline. Affected: yes. Observed: 1 variant allele.
Comment: MEFV: BP7, BS1, BS2

Unidad de Genómica Garrahan, Hospital de Pediatría Garrahan
Classification: Benign. Last evaluated: 2023-11-12. Review status: criteria provided, single submitter. Criteria: ACMG Guidelines, 2015. Collection method: clinical testing. Allele origin: germline. Affected: no. Observed: 60 variant alleles.
Comment: This variant is classified as Benign based on local population frequency. This variant was detected in 63% of patients studied by a panel of primary immunodeficiencies. Number of patients: 60. Only high quality variants are reported.

Genome-Nilou Lab
Classification: Benign for Familial Mediterranean fever, autosomal dominant. Last evaluated: 2021-07-01. Review status: criteria provided, single submitter. Criteria: ACMG Guidelines, 2015. Collection method: clinical testing. Allele origin: germline. Affected: no.

Genome-Nilou Lab
Classification: Benign for Familial Mediterranean fever. Last evaluated: 2021-07-01. Review status: criteria provided, single submitter. Criteria: ACMG Guidelines, 2015. Collection method: clinical testing. Allele origin: germline. Affected: no.

Eurofins Ntd Llc (ga)
Classification: Benign. Last evaluated: 2015-12-14. Review status: criteria provided, single submitter. Criteria: EGL Classification Definitions 2015. Collection method: clinical testing. Allele origin: germline. Observed: 2 variant alleles, 2 heterozygotes.

Women's Health and Genetics/Laboratory Corporation of America, LabCorp
Classification: Benign for Familial Mediterranean Fever. Last evaluated: 2011-08-18. Review status: criteria provided, single submitter. Criteria: LabCorp Variant Classification Summary - May 2015. Collection method: curation, clinical testing. Allele origin: germline. Inheritance: autosomal unknown. Affected: yes.
ClinVar note: Converted during submission from benign to Benign.

Breakthrough Genomics
Classification: Benign. Review status: criteria provided, single submitter. Criteria: ACMG Guidelines, 2015. Collection method: not provided. Allele origin: germline. Inheritance: Autosomal recessive inheritance. Affected: yes.

Natera, Inc.
Classification: Benign for Familial Mediterranean fever. Last evaluated: 2019-11-19. Review status: no assertion criteria provided. Collection method: clinical testing. Allele origin: germline. Not counted in ClinVar's aggregate classification.

Counsyl
Classification: Benign for Familial Mediterranean fever. Last evaluated: 2015-01-14. Review status: no assertion criteria provided. Collection method: literature only. Allele origin: unknown. Inheritance: Autosomal recessive inheritance. Not counted in ClinVar's aggregate classification.

Diagnostic Laboratory, Department of Genetics, University Medical Center Groningen
Classification: Benign. Review status: no assertion criteria provided. Collection method: clinical testing. Allele origin: germline. Affected: yes. Study: VKGL Data-share Consensus. Not counted in ClinVar's aggregate classification.

Genome Diagnostics Laboratory, University Medical Center Utrecht
Classification: Likely benign. Review status: no assertion criteria provided. Collection method: clinical testing. Allele origin: germline. Affected: yes. Study: VKGL Data-share Consensus. Not counted in ClinVar's aggregate classification.

Literature cited by the submitters: PubMed 19479870 (cited by Women's Health and Genetics/Laboratory Corporation of America, LabCorp and Counsyl); PubMed 10364520 (cited by Women's Health and Genetics/Laboratory Corporation of America, LabCorp and Counsyl); PubMed 9288758 (cited by Women's Health and Genetics/Laboratory Corporation of America, LabCorp and Counsyl); PubMed 14679589 (cited by Counsyl); PubMed 17489852 (cited by Counsyl); PubMed 10090880 (cited by Counsyl); PubMed 9668175 (cited by Counsyl); PubMed 21413889 (cited by Counsyl); PubMed 18328141 (cited by Counsyl); PubMed 15024744 (cited by Counsyl).